The following is an entry in ClinVar:

NM_152419.3(HGSNAT):c.695G>A (p.Arg232His)

Gene: HGSNAT (heparan-alpha-glucosaminide N-acetyltransferase; plus strand). Cytogenetic location: 8p11.21.
Variant type: single nucleotide variant.
Coding change: c.695G>A on transcript NM_152419.3 (MANE Select); coding-DNA position 695, G replaced by A.
Protein change: p.Arg232His; replaces arginine 232 with histidine.
Molecular consequence: missense variant. On other transcripts: 5 prime UTR variant (1).
Genome position (GRCh38, 1-based): chr8:43,170,646, G>A. VCF-style: chr8-43170646-G-A. GRCh37 (hg19) VCF-style: chr8-43025789-G-A.
Other names: c.695G>A, p.Arg232His (NM_001363227.2, NM_001363228.2); c.-139G>A (NM_001363229.2); short protein forms R232H.
Identifiers: ClinVar variation 1497429 (VCV001497429.5), dbSNP rs371869844, ClinGen allele CA4736588.
Genomic context (GRCh38, chr8:43,170,646, plus strand): 5'-AGCTGGGATCTCCCAGCAGGACAGACCCTCTCGATGGTGATGTTCAGCCAGCAACGTGGC[G>A]TCTATCTGCCCTGCCGCCCCGCCTCCGCAGCGTGGACACCTTCAGGGGGTATGTGGGCCT-3'
Protein context (NP_689632.2, residues 222-242): LDGDVQPATW[Arg232His]LSALPPRLRS

ClinVar aggregate classification (germline): Uncertain significance (1 of 4 stars; one submission).

Conditions:
Mucopolysaccharidosis, MPS-III-C (MPS3C). Also called: SANFILIPPO SYNDROME C; MPS III C; MPS IIIC (Sanfilippo Syndrome Type C); MUCOPOLYSACCHARIDOSIS, TYPE IIIC; Mucopolysaccharidosis type IIIC (Sanfilippo C); mucopolysaccharidosis type 3C. Identifiers: Orphanet 581, Orphanet 79271, MedGen C0086649, MONDO:0009657, OMIM 252930.
Retinitis pigmentosa 73 (RP73). Identifiers: Orphanet 791, MedGen C4225287, MONDO:0014687, OMIM 616544.

Allele frequency attached by ClinVar (database versions not stated): TOPMed 0.00002; gnomAD exomes 0.00003; gnomAD 0.00001; ExAC 0.00005; ESP Exome Variant Server 0.00008.
gnomAD v4.1: 44 of 1,609,570 alleles (0.0027%); highest among the groups gnomAD compares: South Asian, 0.0056%; no homozygotes.

Submission:

Labcorp Genetics (formerly Invitae), Labcorp
Classification: Uncertain significance for Retinitis pigmentosa 73; Mucopolysaccharidosis, MPS-III-C. Last evaluated: 2022-08-19. Review status: criteria provided, single submitter. Criteria: Invitae Variant Classification Sherloc (09022015). Collection method: clinical testing. Allele origin: germline.
Comment: This sequence change replaces arginine, which is basic and polar, with histidine, which is basic and polar, at codon 232 of the HGSNAT protein (p.Arg232His). The frequency data for this variant in the population databases is considered unreliable, as metrics indicate poor data quality at this position in the gnomAD database. This variant has not been reported in the literature in individuals affected with HGSNAT-related conditions. ClinVar contains an entry for this variant (Variation ID: 1497429). Advanced modeling of protein sequence and biophysical properties (such as structural, functional, and spatial information, amino acid conservation, physicochemical variation, residue mobility, and thermodynamic stability) performed at Invitae indicates that this missense variant is not expected to disrupt HGSNAT protein function. In summary, the available evidence is currently insufficient to determine the role of this variant in disease. Therefore, it has been classified as a Variant of Uncertain Significance.